The following is an entry in ClinVar:

ClinVar aggregate classification (germline): Conflicting classifications of pathogenicity. Review status: criteria provided, conflicting classifications (1 of 4 stars). 2 submissions from 2 submitters: Uncertain significance (1); Likely benign (1). Last evaluated 2023-03-23.

Conditions:
Hereditary breast ovarian cancer syndrome. Also called: Hereditary breast and ovarian cancer syndrome (HBOC); BRCA1- and BRCA2-Associated Hereditary Breast and Ovarian Cancer; Hereditary breast and ovarian cancer syndrome; Breast and ovarian cancer; Hereditary breast and ovarian cancer; Hereditary breast and/or ovarian cancer syndrome. Identifiers: Orphanet 145, MedGen C0677776, MeSH D061325, MONDO:0003582. Disease mechanism: loss of function.
Hereditary cancer-predisposing syndrome. Also called: Hereditary neoplastic syndrome; Neoplastic Syndromes, Hereditary; Tumor predisposition; Hereditary Cancer Syndrome. Identifiers: Orphanet 140162, MedGen C0027672, MeSH D009386, MONDO:0015356.

Submissions (2):

University of Washington Department of Laboratory Medicine, University of Washington
Classification: Likely benign for Hereditary cancer-predisposing syndrome. Last evaluated: 2023-03-23. Review status: criteria provided, single submitter. Criteria: Dines et al. (Genet Med. 2020). Collection method: curation. Allele origin: germline.
Comment: Missense variant in a coldspot region where missense variants are very unlikely to be pathogenic (PMID:31911673).

BRCA1 coldspot (exon 11 using historical exon numbering). Reclassification based on statistical prior probability

Labcorp Genetics (formerly Invitae), Labcorp
Classification: Uncertain significance for Hereditary breast ovarian cancer syndrome. Last evaluated: 2017-11-19. Review status: criteria provided, single submitter. Criteria: Invitae Variant Classification Sherloc (09022015). Collection method: clinical testing. Allele origin: germline.
Comment: This sequence change replaces aspartic acid with valine at codon 1065 of the BRCA1 protein (p.Asp1065Val). The aspartic acid residue is weakly conserved and there is a large physicochemical difference between aspartic acid and valine. This variant is not present in population databases (ExAC no frequency). This variant has not been reported in the literature in individuals with BRCA1-related disease. In summary, the available evidence is currently insufficient to determine the role of this variant in disease. Therefore, it has been classified as a Variant of Uncertain Significance. Algorithms developed to predict the effect of missense changes on protein structure and function do not agree on the potential impact of this missense change (SIFT: "Deleterious"; PolyPhen-2: "Benign"; Align-GVGD: "Class C0").

NM_007294.4(BRCA1):c.3194A>T (p.Asp1065Val)

Gene: BRCA1 (BRCA1 DNA repair associated; minus strand). Cytogenetic location: 17q21.31.
Variant type: single nucleotide variant.
Coding change: c.3194A>T on transcript NM_007294.4 (MANE Select); coding-DNA position 3194, A replaced by T.
Protein change: p.Asp1065Val; replaces aspartic acid 1065 with valine.
Molecular consequence: missense variant. On other transcripts: intron variant (137).
Genome position (GRCh38, 1-based): chr17:43,092,337, T>A on the plus strand (A>T on the coding strand, the complement: BRCA1 is on the minus strand). VCF-style: chr17-43092337-T-A. GRCh37 (hg19) VCF-style: chr17-41244354-T-A.
Other names: c.3053A>T, p.Asp1018Val (NM_001407738.1, NM_001407739.1, NM_001407692.1 and 29 more transcripts); c.3050A>T, p.Asp1017Val (NM_001407742.1, NM_001407743.1, NM_001407744.1 and 20 more transcripts); c.2981A>T, p.Asp994Val (NM_001407571.1, NM_001407853.1, NM_001407894.1 and 9 more transcripts); c.3194A>T, p.Asp1065Val (NM_001407581.1, NM_001407582.1, NM_001407583.1 and 30 more transcripts); c.3191A>T, p.Asp1064Val (NM_001407587.1, NM_001407590.1, NM_001407591.1 and 22 more transcripts); c.3185A>T, p.Asp1062Val (NM_001407646.1, NM_001407647.1); c.3071A>T, p.Asp1024Val (NM_001407648.1, NM_001407664.1, NM_001407665.1 and 19 more transcripts); c.3068A>T, p.Asp1023Val (NM_001407649.1, NM_001407670.1, NM_001407671.1 and 11 more transcripts); and 41 more; short protein forms D1065V, D1018V, D1064V, D769V, D897V, D977V, D998V, D1017V.
Identifiers: ClinVar variation 531367 (VCV000531367.12), dbSNP rs1555588228, ClinGen allele CA10595596.